The following is an entry in ClinVar:

ClinVar aggregate classification (germline): Uncertain significance (1 of 4 stars; one submission).

Submission:

GeneDx
Classification: Uncertain significance. Last evaluated: 2025-03-08. Review status: criteria provided, single submitter. Criteria: GeneDx Variant Classification Process June 2021. Collection method: clinical testing. Allele origin: germline. Affected: yes.
Comment: Not observed at significant frequency in large population cohorts (gnomAD); In silico analysis supports that this missense variant has a deleterious effect on protein structure/function; Has not been previously published as pathogenic or benign to our knowledge

NM_015338.6(ASXL1):c.1038G>C (p.Lys346Asn)

Gene: ASXL1 (ASXL transcriptional regulator 1; plus strand). Cytogenetic location: 20q11.21.
Variant type: single nucleotide variant.
Coding change: c.1038G>C on transcript NM_015338.6 (MANE Select); coding-DNA position 1038, G replaced by C.
Protein change: p.Lys346Asn; replaces lysine 346 with asparagine.
Molecular consequence: missense variant.
Genome position (GRCh38, 1-based): chr20:32,432,938, G>C. VCF-style: chr20-32432938-G-C. GRCh37 (hg19) VCF-style: chr20-31020741-G-C.
Other names: c.855G>C, p.Lys285Asn (NM_001363734.1); short protein forms K285N, K346N.
Identifiers: ClinVar variation 4083230 (VCV004083230.1).